The following is an entry in ClinVar:

NM_001099403.2(PRDM8):c.1225G>A (p.Val409Ile)

Gene: PRDM8 (PR/SET domain 8; plus strand). Cytogenetic location: 4q21.21.
Variant type: single nucleotide variant.
Coding change: c.1225G>A on transcript NM_001099403.2 (MANE Select); coding-DNA position 1225, G replaced by A.
Protein change: p.Val409Ile; replaces valine 409 with isoleucine.
Molecular consequence: missense variant.
Genome position (GRCh38, 1-based): chr4:80,202,687, G>A. VCF-style: chr4-80202687-G-A. GRCh37 (hg19) VCF-style: chr4-81123841-G-A.
Other names: c.1225G>A, p.Val409Ile (NM_020226.4); short protein forms V409I.
Identifiers: ClinVar variation 475665 (VCV000475665.8), dbSNP rs1483533129, ClinGen allele CA357399522.

ClinVar aggregate classification (germline): Uncertain significance (1 of 4 stars; one submission).

Conditions:
Early-onset Lafora body disease. Also called: Epilepsy, progressive myoclonic, 10. Identifiers: Orphanet 324290, MedGen C4225258, MONDO:0014717, OMIM 616640.

Submission:

Labcorp Genetics (formerly Invitae), Labcorp
Classification: Uncertain significance for Early-onset Lafora body disease. Last evaluated: 2017-04-16. Review status: criteria provided, single submitter. Criteria: Invitae Variant Classification Sherloc (09022015). Collection method: clinical testing. Allele origin: germline.
Comment: In summary, this variant is a novel missense change that is not predicted to affect protein function. There is no indication that it causes disease, but the available evidence is currently insufficient to prove that conclusively. Therefore, it has been classified as a Variant of Uncertain Significance. Algorithms developed to predict the effect of missense changes on protein structure and function (SIFT, PolyPhen-2, Align-GVGD) all suggest that this variant is likely to be tolerated, but these predictions have not been confirmed by published functional studies. While this variant is not present in population databases, the frequency information is unreliable, as metrics indicate poor data quality at this position in the ExAC database. This variant has not been reported in the literature in individuals with a PRDM8-related disease. This sequence change replaces valine with isoleucine at codon 409 of the PRDM8 protein (p.Val409Ile). The valine residue is weakly conserved and there is a small physicochemical difference between valine and isoleucine.